The following is an entry in ClinVar:

ClinVar aggregate classification (germline): Uncertain significance (1 of 4 stars; one submission).

gnomAD v4.1: 4 of 1,613,096 alleles (0.00025%); highest among the groups gnomAD compares: Non-Finnish European, 0.00025%; no homozygotes.

Submission:

GeneDx
Classification: Uncertain significance. Last evaluated: 2024-11-06. Review status: criteria provided, single submitter. Criteria: GeneDx Variant Classification Process June 2021. Collection method: clinical testing. Allele origin: germline. Affected: yes.
Comment: Not observed at significant frequency in large population cohorts (gnomAD); In silico analysis indicates that this missense variant does not alter protein structure/function; Has not been previously published as pathogenic or benign to our knowledge; Reported using the transcript encoding the epithelial isoform of the gene

NM_001723.7(DST):c.6065A>C (p.Gln2022Pro)

Gene: DST (dystonin; minus strand). Cytogenetic location: 6p12.1.
Variant type: single nucleotide variant.
Coding change: c.6065A>C on transcript NM_001723.7 (MANE Plus Clinical); coding-DNA position 6065, A replaced by C.
Protein change: p.Gln2022Pro; replaces glutamine 2022 with proline.
Molecular consequence: missense variant. On other transcripts: intron variant (10).
Genome position (GRCh38, 1-based): chr6:56,617,402, T>G on the plus strand (A>C on the coding strand, the complement: DST is on the minus strand). VCF-style: chr6-56617402-T-G. GRCh37 (hg19) VCF-style: chr6-56482200-T-G.
Other names: c.4831-2918A>C (NM_001144769.5); c.4930-2918A>C (NM_001374722.1, NM_001374736.1); c.4957-2918A>C (NM_001374734.1); c.4417-2918A>C (NM_001144770.2); c.4297-2918A>C (NM_001374730.1, NM_001386100.1, NM_183380.4 and 1 more transcripts); c.3319-2918A>C (NM_015548.5); short protein forms Q2022P.
Identifiers: ClinVar variation 3899109 (VCV003899109.1).